The following is an entry in ClinVar:

ClinVar aggregate classification (germline): Uncertain significance (1 of 4 stars; one submission).

Conditions:
PLXNA1-related disorder. Also called: PLXNA1-related condition.

Allele frequency attached by ClinVar (database versions not stated): ExAC 0.00006; gnomAD 0.00010; TOPMed 0.00010; ESP Exome Variant Server 0.00023.
gnomAD v4.1: 192 of 1,613,366 alleles (0.012%); highest among the groups gnomAD compares: Admixed American, 0.025%; no homozygotes.

Submission:

PreventionGenetics, part of Exact Sciences
Classification: Uncertain significance for PLXNA1-related condition. Last evaluated: 2026-08-25. Review status: criteria provided, single submitter. Criteria: ACMG Guidelines, 2015. Collection method: clinical testing. Allele origin: germline.
Comment: The PLXNA1 c.2255C>T variant is predicted to result in the amino acid substitution p.Pro752Leu. This variant has been reported de novo in an individual with congenital heart disease (Supplementary Database 2, Edwards et al 2020. PubMed ID: 32368696). This variant is reported in 0.028% of alleles in individuals of Latino descent in gnomAD. At this time, the clinical significance of this variant is uncertain due to the absence of conclusive functional and genetic evidence.

NM_032242.4(PLXNA1):c.2255C>T (p.Pro752Leu)

Gene: PLXNA1 (plexin A1; plus strand). Cytogenetic location: 3q21.3.
Variant type: single nucleotide variant.
Coding change: c.2255C>T on transcript NM_032242.4 (MANE Select); coding-DNA position 2255, C replaced by T.
Protein change: p.Pro752Leu; replaces proline 752 with leucine.
Molecular consequence: missense variant.
Genome position (GRCh38, 1-based): chr3:127,012,100, C>T. VCF-style: chr3-127012100-C-T. GRCh37 (hg19) VCF-style: chr3-126730943-C-T.
Other names: short protein forms P752L.
Identifiers: ClinVar variation 2630350 (VCV002630350.4), dbSNP rs145010644, ClinGen allele CA2593550.